The following is an entry in ClinVar:

ClinVar aggregate classification (germline): Uncertain significance (1 of 4 stars; one submission).

Conditions:
Leigh syndrome (NULS). Also called: LEIGH SYNDROME, NUCLEAR; Leigh Disease; Leigh's syndrome; Leigh's necrotizing encephalopathy; Leigh's disease; Leigh Syndrome (mtDNA deletion). Identifiers: Orphanet 506, MedGen C2931891, MONDO:0009723, OMIM 256000.

Allele frequency attached by ClinVar (database versions not stated): gnomAD exomes below 0.00001; TOPMed below 0.00001; ExAC 0.00001.
gnomAD v4.1: 1 of 1,614,238 alleles (0.000062%); highest among the groups gnomAD compares: Non-Finnish European, 0.000085%; no homozygotes.

Submission:

Labcorp Genetics (formerly Invitae), Labcorp
Classification: Uncertain significance for Leigh syndrome. Last evaluated: 2022-06-09. Review status: criteria provided, single submitter. Criteria: Invitae Variant Classification Sherloc (09022015). Collection method: clinical testing. Allele origin: germline.
Comment: This sequence change replaces phenylalanine, which is neutral and non-polar, with leucine, which is neutral and non-polar, at codon 250 of the SURF1 protein (p.Phe250Leu). This variant is present in population databases (rs782109120, gnomAD 0.0009%). This variant has not been reported in the literature in individuals affected with SURF1-related conditions. ClinVar contains an entry for this variant (Variation ID: 1001883). Algorithms developed to predict the effect of missense changes on protein structure and function output the following: SIFT: "Deleterious"; PolyPhen-2: "Benign"; Align-GVGD: "Class C0". The leucine amino acid residue is found in multiple mammalian species, which suggests that this missense change does not adversely affect protein function. Algorithms developed to predict the effect of sequence changes on RNA splicing suggest that this variant may disrupt the consensus splice site. In summary, the available evidence is currently insufficient to determine the role of this variant in disease. Therefore, it has been classified as a Variant of Uncertain Significance.

NM_003172.4(SURF1):c.750C>G (p.Phe250Leu)

Gene: SURF1 (SURF1 cytochrome c oxidase assembly factor; minus strand). Cytogenetic location: 9q34.2.
Variant type: single nucleotide variant.
Coding change: c.750C>G on transcript NM_003172.4 (MANE Select); coding-DNA position 750, C replaced by G.
Protein change: p.Phe250Leu; replaces phenylalanine 250 with leucine.
Molecular consequence: missense variant.
Genome position (GRCh38, 1-based): chr9:133,352,447, G>C on the plus strand (C>G on the coding strand, the complement: SURF1 is on the minus strand). VCF-style: chr9-133352447-G-C. GRCh37 (hg19) VCF-style: chr9-136219302-G-C.
Other names: c.423C>G, p.Phe141Leu (NM_001280787.1); short protein forms F141L, F250L.
Identifiers: ClinVar variation 1001883 (VCV001001883.6), dbSNP rs782109120, ClinGen allele CA200832316.